The following is an entry in ClinVar:

ClinVar aggregate classification (germline): Likely benign. Review status: reviewed by expert panel (3 of 4 stars). 2 submissions from 2 submitters: Likely benign (1). 1 of the submissions does not count toward it. Last evaluated 2025-02-18.

Conditions:
Glanzmann thrombasthenia. Also called: Thrombasthenia; THROMBASTHENIA OF GLANZMANN AND NAEGELI; PLATELET GLYCOPROTEIN IIb-IIIa DEFICIENCY; Glanzmann's thrombasthenia. Identifiers: Orphanet 849, MedGen C0040015, MONDO:0100326.

Allele frequency attached by ClinVar (database versions not stated): gnomAD 0.00001; gnomAD exomes 0.00001 and 0.00003; TOPMed 0.00001.
gnomAD v4.1: 17 of 1,540,396 alleles (0.0011%); highest among the groups gnomAD compares: Non-Finnish European, 0.0015%; no homozygotes.

Submissions (2):

ClinGen Platelet Disorders Variant Curation Expert Panel, ClinGen
Classification: Likely benign for Glanzmann thrombasthenia. Last evaluated: 2025-02-18. Review status: reviewed by expert panel. Criteria: ClinGen Platelet ACMG Specifications v2-1. Collection method: curation. Allele origin: germline. Inheritance: Autosomal recessive inheritance.
Comment: This intronic variant, NM_000419.5(ITGA2B):c.2728-19T>C (p.=) occurs at an extremely low frequency (<1/10,000), with an overall allele frequency in gnomAD of 0.00001377 and an MAF of 0.00003751 (2/53,326 alleles) in the non-Finnish European population (PM2_supporting). To our knowledge, it has not been reported in the literature. The variant is predicted by SpliceAI to have no significant splicing motif alteration detected and the nucleotide is not highly conserved (PhyloP score 0.099; BP4, BP7). In summary, this variant meets the criteria to be classified as likely benign for autosomal recessive Glanzmann Thrombasthenia based on the ACMG/AMP criteria applied, as specified by the ClinGen PD VCEP: PM2_supporting BP4, and BP7 (PD VCEP specifications version 2.1).

Blueprint Genetics
Classification: Likely benign. Last evaluated: 2024-09-14. Review status: criteria provided, single submitter. Criteria: ACMG Guidelines, 2015. Collection method: clinical testing. Allele origin: germline. Not counted in ClinVar's aggregate classification.

NM_000419.5(ITGA2B):c.2728-19T>C

Gene: ITGA2B (integrin subunit alpha 2b; minus strand). Cytogenetic location: 17q21.31.
Variant type: single nucleotide variant.
Coding change: c.2728-19T>C on transcript NM_000419.5 (MANE Select); 19 bases into the intron before coding-DNA position 2728, T replaced by C.
Molecular consequence: intron variant.
Genome position (GRCh38, 1-based): chr17:44,375,130, A>G on the plus strand (T>C on the coding strand, the complement: ITGA2B is on the minus strand). VCF-style: chr17-44375130-A-G. GRCh37 (hg19) VCF-style: chr17-42452498-A-G.
Identifiers: ClinVar variation 953022 (VCV000953022.5), dbSNP rs1350341374, ClinGen allele CA626119953.